The following is an entry in ClinVar:

NM_014679.5(CEP57):c.218T>C (p.Leu73Pro)

Gene: CEP57 (centrosomal protein 57; plus strand). Cytogenetic location: 11q21.
Variant type: single nucleotide variant.
Coding change: c.218T>C on transcript NM_014679.5 (MANE Select); coding-DNA position 218, T replaced by C.
Protein change: p.Leu73Pro; replaces leucine 73 with proline.
Molecular consequence: missense variant. On other transcripts: intron variant (3).
Genome position (GRCh38, 1-based): chr11:95,812,947, T>C. VCF-style: chr11-95812947-T-C. GRCh37 (hg19) VCF-style: chr11-95546111-T-C.
Other names: c.137T>C, p.Leu46Pro (NM_001440869.1, NM_001440870.1, NM_001440875.1 and 3 more transcripts); c.218T>C, p.Leu73Pro (NM_001440871.1, NM_001440872.1, NM_001440874.1 and 4 more transcripts); c.203-521T>C (NM_001440873.1, NM_001440881.1); c.122-521T>C (NM_001440880.1); c.191T>C, p.Leu64Pro (NM_001243776.2); short protein forms L46P, L64P, L73P.
Identifiers: ClinVar variation 4226382 (VCV004226382.1).

ClinVar aggregate classification (germline): Uncertain significance (1 of 4 stars; one submission).

Conditions:
Inborn genetic diseases. Identifiers: MedGen C0950123, MeSH D030342.

Submission:

Ambry Genetics
Classification: Uncertain significance for Inborn genetic diseases. Last evaluated: 2025-08-19. Review status: criteria provided, single submitter. Criteria: Ambry Variant Classification Scheme 2023. Collection method: clinical testing. Allele origin: germline.
Comment: The p.L73P variant (also known as c.218T>C), located in coding exon 3 of the CEP57 gene, results from a T to C substitution at nucleotide position 218. The leucine at codon 73 is replaced by proline, an amino acid with similar properties. This amino acid position is conserved. In addition, this alteration is predicted to be deleterious by in silico analysis. Based on the available evidence, the clinical significance of this variant remains unclear.